The following is an entry in ClinVar:

NM_000466.3(PEX1):c.3095_3098dup (p.Gln1033fs)

Genes: PEX1 (peroxisomal biogenesis factor 1; minus strand), GATAD1 (GATA zinc finger domain containing 1; plus strand). Cytogenetic location: 7q21.2.
Variant type: Duplication.
Coding change: c.3095_3098dup on transcript NM_000466.3 (MANE Select); coding-DNA positions 3095 to 3098, 4 bases duplicated (TTCA; older notation c.3095_3098dupTTCA).
Protein change: p.Gln1033fs; shifts the reading frame from glutamine 1033.
Molecular consequence: frameshift variant.
Genome position (GRCh38, 1-based): chr7:92,493,062-92,493,065, TGAA duplicated on the plus strand (TTCA on the coding strand, the reverse complement: PEX1 is on the minus strand). VCF-style (leftmost placement, unchanged base first): chr7-92493061-C-CTGAA. GRCh37 (hg19) VCF-style: chr7-92122375-C-CTGAA.
Other names: c.2924_2927dup, p.Gln976fs (NM_001282677.2); c.2471_2474dup, p.Gln825fs (NM_001282678.2); short protein forms Q1033fs, Q825fs, Q976fs.
Identifiers: ClinVar variation 4818401 (VCV004818401.1).

ClinVar aggregate classification (germline): Likely pathogenic (1 of 4 stars; one submission).

Conditions:
Zellweger spectrum disorders (ZS). Also called: Zellweger Spectrum Disorder (ZSD); Zellweger syndrome; Zellweger Spectrum Disorder; Zellweger Spectrum. Identifiers: Orphanet 912, MedGen C0043459, MONDO:0019609.

Submission:

Natera, Inc.
Classification: Likely pathogenic for Zellweger syndrome. Last evaluated: 2024-08-14. Review status: criteria provided, single submitter. Criteria: Natera Variant Classification Schema (03/2026). Collection method: clinical testing. Allele origin: germline.
Comment: The c.3095_3098dupTTCA variant in PEX1 is a frameshift variant predicted to shift the reading frame beginning at codon 1033 and leads to a stop codon 9 codons downstream. This variant is expected to result in nonsense mediated decay, truncation, or a dysfunctional protein product. This variant is rare in the general population with a frequency below the threshold expected for the associated phenotype(s). Given the available evidence, this variant is classified as Likely Pathogenic.